The following is an entry in ClinVar:

NM_014053.4(FLVCR1):c.*3032G>T

Gene: FLVCR1 (FLVCR choline and heme transporter 1; plus strand). Cytogenetic location: 1q32.3.
Variant type: single nucleotide variant.
Coding change: c.*3032G>T on transcript NM_014053.4 (MANE Select); 3032 bases downstream of the stop codon, G replaced by T.
Molecular consequence: 3 prime UTR variant.
Genome position (GRCh38, 1-based): chr1:212,898,322, G>T. VCF-style: chr1-212898322-G-T. GRCh37 (hg19) VCF-style: chr1-213071664-G-T.
Identifiers: ClinVar variation 874989 (VCV000874989.4), dbSNP rs76321605, ClinGen allele CA36902705.

ClinVar aggregate classification (germline): Benign (1 of 4 stars; one submission).

Conditions:
Posterior column ataxia-retinitis pigmentosa syndrome (RETSNS). Also called: RETINOPATHY-SENSORY NEUROPATHY SYNDROME. Identifiers: Orphanet 88628, MedGen C1836916, MONDO:0012177, OMIM 609033.

Allele frequency attached by ClinVar (database versions not stated): gnomAD 0.00316 and 0.00330; TOPMed 0.00344; 1000 Genomes Project 0.00539; 1000 Genomes Project 30x 0.00593.

Submission:

Illumina Laboratory Services, Illumina
Classification: Benign for Posterior column ataxia-retinitis pigmentosa syndrome. Last evaluated: 2018-01-12. Review status: criteria provided, single submitter. Criteria: ICSL Variant Classification Criteria 13 December 2019. Collection method: clinical testing. Allele origin: germline.
Comment: This variant was observed in the ICSL laboratory as part of a predisposition screen in an ostensibly healthy population. It had not been previously curated by ICSL or reported in the Human Gene Mutation Database (HGMD: prior to June 1st, 2018), and was therefore a candidate for classification through an automated scoring system. Utilizing variant allele frequency, disease prevalence and penetrance estimates, and inheritance mode, an automated score was calculated to assess if this variant is too frequent to cause the disease. Based on the score and internal cut-off values, a variant classified as benign is not then subjected to further curation. The score for this variant resulted in a classification of benign for this disease.